The following is an entry in ClinVar:

ClinVar aggregate classification (germline): Uncertain significance (1 of 4 stars; one submission).

Conditions:
Inborn genetic diseases. Identifiers: MedGen C0950123, MeSH D030342.

gnomAD v4.1: 1 of 1,614,188 alleles (0.000062%); highest among the groups gnomAD compares: Non-Finnish European, 0.000085%; no homozygotes.

Submission:

Ambry Genetics
Classification: Uncertain significance for Inborn genetic diseases. Last evaluated: 2025-09-27. Review status: criteria provided, single submitter. Criteria: Ambry Variant Classification Scheme 2023. Collection method: clinical testing. Allele origin: germline.
Comment: The p.L482P variant (also known as c.1445T>C), located in coding exon 11 of the FANCG gene, results from a T to C substitution at nucleotide position 1445. The leucine at codon 482 is replaced by proline, an amino acid with similar properties. This amino acid position is conserved. In addition, the in silico prediction for this alteration is inconclusive. Based on the available evidence, the clinical significance of this variant remains unclear.

NM_004629.2(FANCG):c.1445T>C (p.Leu482Pro)

Gene: FANCG (FA complementation group G; minus strand). Cytogenetic location: 9p13.3.
Variant type: single nucleotide variant.
Coding change: c.1445T>C on transcript NM_004629.2 (MANE Select); coding-DNA position 1445, T replaced by C.
Protein change: p.Leu482Pro; replaces leucine 482 with proline.
Molecular consequence: missense variant.
Genome position (GRCh38, 1-based): chr9:35,075,314, A>G on the plus strand (T>C on the coding strand, the complement: FANCG is on the minus strand). VCF-style: chr9-35075314-A-G. GRCh37 (hg19) VCF-style: chr9-35075311-A-G.
Other names: short protein forms L482P.
Identifiers: ClinVar variation 4619358 (VCV004619358.1).
Genomic context (GRCh38, chr9:35,075,314, plus strand): 5'-GAGGAAAACTGAAAGTTTAGATCACCTTGTTCTTTTTCCTCAGGTGTGGCCCGGAAGAGC[A>G]GCTCGAGGCACCTGAAGTAGGACACAGAACAGGGGTGAAGAGGAATCAATTTCAGAAACT-3'
Protein context (NP_004620.1, residues 472-492): AISEFSRCLE[Leu482Pro]LFRATPEEKE